The following is an entry in ClinVar:

NM_007294.4(BRCA1):c.2387C>G (p.Thr796Arg)

Gene: BRCA1 (BRCA1 DNA repair associated; minus strand). Cytogenetic location: 17q21.31.
Variant type: single nucleotide variant.
Coding change: c.2387C>G on transcript NM_007294.4 (MANE Select); coding-DNA position 2387, C replaced by G.
Protein change: p.Thr796Arg; replaces threonine 796 with arginine.
Molecular consequence: missense variant. On other transcripts: intron variant (137).
Genome position (GRCh38, 1-based): chr17:43,093,144, G>C on the plus strand (C>G on the coding strand, the complement: BRCA1 is on the minus strand). VCF-style: chr17-43093144-G-C. GRCh37 (hg19) VCF-style: chr17-41245161-G-C.
Other names: c.2174C>G, p.Thr725Arg (NM_001407571.1, NM_001407853.1, NM_001407894.1 and 9 more transcripts); c.2387C>G, p.Thr796Arg (NM_001407581.1, NM_001407582.1, NM_001407583.1 and 30 more transcripts); c.2384C>G, p.Thr795Arg (NM_001407587.1, NM_001407590.1, NM_001407591.1 and 22 more transcripts); c.2378C>G, p.Thr793Arg (NM_001407646.1, NM_001407647.1); c.2264C>G, p.Thr755Arg (NM_001407648.1, NM_001407664.1, NM_001407665.1 and 19 more transcripts); c.2261C>G, p.Thr754Arg (NM_001407649.1, NM_001407670.1, NM_001407671.1 and 11 more transcripts); c.2309C>G, p.Thr770Arg (NM_001407653.1, NM_001407654.1, NM_001407655.1 and 4 more transcripts); c.2306C>G, p.Thr769Arg (NM_001407659.1, NM_001407660.1, NM_001407661.1 and 1 more transcripts); and 41 more; short protein forms T796R, T749R, T500R, T725R, T729R, T754R, T755R, T770R.
Identifiers: ClinVar variation 496355 (VCV000496355.13), dbSNP rs80357364, ClinGen allele CA10597232.

ClinVar aggregate classification (germline): Conflicting classifications of pathogenicity. Review status: criteria provided, conflicting classifications (1 of 4 stars). 3 submissions from 3 submitters: Uncertain significance (2); Likely benign (1). Last evaluated 2023-03-23.

Conditions:
Hereditary cancer-predisposing syndrome. Also called: Tumor predisposition; Neoplastic Syndromes, Hereditary; Hereditary neoplastic syndrome; Hereditary Cancer Syndrome. Identifiers: Orphanet 140162, MedGen C0027672, MeSH D009386, MONDO:0015356.
Hereditary breast ovarian cancer syndrome. Also called: Breast and ovarian cancer; BRCA1- and BRCA2-Associated Hereditary Breast and Ovarian Cancer; Hereditary breast and ovarian cancer syndrome (HBOC); Hereditary breast and ovarian cancer; Hereditary breast and/or ovarian cancer syndrome; Hereditary breast and ovarian cancer syndrome. Identifiers: Orphanet 145, MedGen C0677776, MeSH D061325, MONDO:0003582. Disease mechanism: loss of function.

gnomAD v4.1: 1 of 1,613,508 alleles (0.000062%); highest among the groups gnomAD compares: Non-Finnish European, 0.000085%; no homozygotes.

Submissions (3):

University of Washington Department of Laboratory Medicine, University of Washington
Classification: Likely benign for Hereditary cancer-predisposing syndrome. Last evaluated: 2023-03-23. Review status: criteria provided, single submitter. Criteria: Dines et al. (Genet Med. 2020). Collection method: curation. Allele origin: germline.
Comment: Missense variant in a coldspot region where missense variants are very unlikely to be pathogenic (PMID:31911673).

BRCA1 coldspot (exon 11 using historical exon numbering). Reclassification based on statistical prior probability

Labcorp Genetics (formerly Invitae), Labcorp
Classification: Uncertain significance for Hereditary breast ovarian cancer syndrome. Last evaluated: 2020-10-05. Review status: criteria provided, single submitter. Criteria: Invitae Variant Classification Sherloc (09022015). Collection method: clinical testing. Allele origin: germline.
Comment: In summary, the available evidence is currently insufficient to determine the role of this variant in disease. Therefore, it has been classified as a Variant of Uncertain Significance. Advanced modeling of protein sequence and biophysical properties (such as structural, functional, and spatial information, amino acid conservation, physicochemical variation, residue mobility, and thermodynamic stability) performed at Invitae indicates that this missense variant is not expected to disrupt BRCA1 protein function. This variant has not been reported in the literature in individuals with BRCA1-related conditions. ClinVar contains an entry for this variant (Variation ID: 496355). This variant is not present in population databases (ExAC no frequency). This sequence change replaces threonine with arginine at codon 796 of the BRCA1 protein (p.Thr796Arg). The threonine residue is moderately conserved and there is a moderate physicochemical difference between threonine and arginine.

Women's Health and Genetics/Laboratory Corporation of America, LabCorp
Classification: Uncertain significance. Last evaluated: 2017-05-15. Review status: criteria provided, single submitter. Criteria: LabCorp Variant Classification Summary - May 2015. Collection method: clinical testing. Allele origin: germline.
Comment: Variant summary: The BRCA1 c.2387C>G (p.Thr796Arg) variant involves the alteration of a non-conserved nucleotide. 4/5 in silico tools predict a damaging outcome for this variant. This variant is absent in 121326 control chromosomes. The variant of interest has not, to our knowledge, been reported in affected individuals via publications and/or reputable databases/clinical diagnostic laboratories; nor evaluated for functional impact by in vivo/vitro studies. Because of the absence of clinical information and the lack of functional studies, the variant is classified as a variant of uncertain significance (VUS) until additional information becomes available.